The following is an entry in ClinVar:

ClinVar aggregate classification (germline): Uncertain significance (1 of 4 stars; one submission).

Submission:

GeneDx
Classification: Uncertain significance. Last evaluated: 2020-01-27. Review status: criteria provided, single submitter. Criteria: GeneDx Variant Classification Process June 2021. Collection method: clinical testing. Allele origin: germline. Affected: yes.
Comment: Not observed in large population cohorts (Lek et al., 2016); In silico analysis, which includes protein predictors and evolutionary conservation, supports that this variant does not alter protein structure/function; Has not been previously published as pathogenic or benign to our knowledge

NM_007327.4(GRIN1):c.2690C>G (p.Ser897Cys)

Gene: GRIN1 (glutamate ionotropic receptor NMDA type subunit 1; plus strand). Cytogenetic location: 9q34.3.
Variant type: single nucleotide variant.
Coding change: c.2690C>G on transcript NM_007327.4 (MANE Select); coding-DNA position 2690, C replaced by G.
Protein change: p.Ser897Cys; replaces serine 897 with cysteine.
Molecular consequence: missense variant. On other transcripts: intron variant (3).
Genome position (GRCh38, 1-based): chr9:137,165,286, C>G. VCF-style: chr9-137165286-C-G. GRCh37 (hg19) VCF-style: chr9-140059738-C-G.
Other names: c.2753C>G, p.Ser918Cys (NM_001185090.2); c.2652+1382C>G (NM_001185091.2); c.2589+1382C>G (NM_021569.4, NM_000832.7); short protein forms S897C, S918C.
Identifiers: ClinVar variation 1312670 (VCV001312670.2), dbSNP rs764554048, ClinGen allele CA375728224.